The following is an entry in ClinVar:

NM_000368.5(TSC1):c.2996G>T (p.Gly999Val)

Gene: TSC1 (TSC complex subunit 1; minus strand). Cytogenetic location: 9q34.13.
Variant type: single nucleotide variant.
Coding change: c.2996G>T on transcript NM_000368.5 (MANE Select); coding-DNA position 2996, G replaced by T.
Protein change: p.Gly999Val; replaces glycine 999 with valine.
Molecular consequence: missense variant.
Genome position (GRCh38, 1-based): chr9:132,896,734, C>A on the plus strand (G>T on the coding strand, the complement: TSC1 is on the minus strand). VCF-style: chr9-132896734-C-A. GRCh37 (hg19) VCF-style: chr9-135772121-C-A.
Other names: c.2993G>T, p.Gly998Val (NM_001162426.2); c.2843G>T, p.Gly948Val (NM_001162427.2); c.2633G>T, p.Gly878Val (NM_001362177.2); short protein forms G878V, G948V, G998V, G999V.
Identifiers: ClinVar variation 1313194 (VCV001313194.11), dbSNP rs1845089126, ClinGen allele CA375367978.

ClinVar aggregate classification (germline): Uncertain significance. Review status: criteria provided, multiple submitters, no conflicts (2 of 4 stars). 4 submissions from 4 submitters: Uncertain significance (4). Last evaluated 2025-06-09.

Conditions:
Tuberous sclerosis 1 (TSC1). Identifiers: Orphanet 805, MedGen C1854465, MONDO:0008612, OMIM 191100.
Hereditary cancer-predisposing syndrome. Also called: Neoplastic Syndromes, Hereditary; Hereditary Cancer Syndrome; Tumor predisposition; Hereditary neoplastic syndrome. Identifiers: Orphanet 140162, MedGen C0027672, MeSH D009386, MONDO:0015356.
Tuberous sclerosis syndrome (TSC). Also called: Tuberous sclerosis; Tuberous Sclerosis Complex. Identifiers: Orphanet 805, MedGen C0041341, MONDO:0001734.

Allele frequency attached by ClinVar (database versions not stated): TOPMed below 0.00001.

Submissions (4):

Color Diagnostics, LLC DBA Color Health
Classification: Uncertain significance for Tuberous sclerosis syndrome. Last evaluated: 2025-06-09. Review status: criteria provided, single submitter. Criteria: ACMG Guidelines, 2015. Collection method: clinical testing. Allele origin: germline.
Comment: This missense variant replaces glycine with valine at codon 999 of the TSC1 protein. Computational prediction suggests that this variant may not impact protein structure and function. To our knowledge, functional studies have not been reported for this variant. This variant has not been reported in individuals affected with TSC1-related disorders in the literature. This variant has not been identified in the general population by the Genome Aggregation Database (gnomAD). The available evidence is insufficient to determine the role of this variant in disease conclusively. Therefore, this variant is classified as a Variant of Uncertain Significance.

Ambry Genetics
Classification: Uncertain significance for Hereditary cancer-predisposing syndrome. Last evaluated: 2022-05-25. Review status: criteria provided, single submitter. Criteria: Ambry Variant Classification Scheme 2023. Collection method: clinical testing. Allele origin: germline.
Comment: The p.G999V variant (also known as c.2996G>T), located in coding exon 21 of the TSC1 gene, results from a G to T substitution at nucleotide position 2996. The glycine at codon 999 is replaced by valine, an amino acid with dissimilar properties. This amino acid position is conserved. In addition, the in silico prediction for this alteration is inconclusive. Since supporting evidence is limited at this time, the clinical significance of this alteration remains unclear.

Labcorp Genetics (formerly Invitae), Labcorp
Classification: Uncertain significance for Tuberous sclerosis 1. Last evaluated: 2021-01-30. Review status: criteria provided, single submitter. Criteria: Invitae Variant Classification Sherloc (09022015). Collection method: clinical testing. Allele origin: germline.
Comment: This sequence change replaces glycine with valine at codon 999 of the TSC1 protein (p.Gly999Val). The glycine residue is moderately conserved and there is a moderate physicochemical difference between glycine and valine. Algorithms developed to predict the effect of missense changes on protein structure and function are either unavailable or do not agree on the potential impact of this missense change (SIFT: "Deleterious"; PolyPhen-2: "Possibly Damaging"; Align-GVGD: "Class C0"). Algorithms developed to predict the effect of sequence changes on RNA splicing suggest that this variant may create or strengthen a splice site, but this prediction has not been confirmed by published transcriptional studies. In summary, the available evidence is currently insufficient to determine the role of this variant in disease. Therefore, it has been classified as a Variant of Uncertain Significance. This variant has not been reported in the literature in individuals with TSC1-related conditions. This variant is not present in population databases (ExAC no frequency).

GeneDx
Classification: Uncertain significance. Last evaluated: 2020-09-15. Review status: criteria provided, single submitter. Criteria: GeneDx Variant Classification Process June 2021. Collection method: clinical testing. Allele origin: germline. Affected: yes.
Comment: Not observed in large population cohorts (Lek et al., 2016); In silico analysis supports that this missense variant does not alter protein structure/function; Has not been previously published as pathogenic or benign to our knowledge